The following is an entry in ClinVar:

ClinVar aggregate classification (germline): Uncertain significance (1 of 4 stars; one submission).

Conditions:
Lethal multiple pterygium syndrome (LMPS). Identifiers: Orphanet 33108, MedGen C1854678, MONDO:0009668, OMIM 253290.

Submission:

Labcorp Genetics (formerly Invitae), Labcorp
Classification: Uncertain significance for Lethal multiple pterygium syndrome. Last evaluated: 2025-12-23. Review status: criteria provided, single submitter. Criteria: Invitae Variant Classification Sherloc (09022015). Collection method: clinical testing. Allele origin: germline.
Comment: This sequence change replaces arginine, which is basic and polar, with tryptophan, which is neutral and slightly polar, at codon 407 of the CHRND protein (p.Arg407Trp). This variant is present in population databases (rs766721840, gnomAD 0.003%). This variant has not been reported in the literature in individuals affected with CHRND-related conditions. ClinVar contains an entry for this variant (Variation ID: 1008543). Invitae Evidence Modeling of protein sequence and biophysical properties (such as structural, functional, and spatial information, amino acid conservation, physicochemical variation, residue mobility, and thermodynamic stability) indicates that this missense variant is expected to disrupt CHRND protein function with a positive predictive value of 95%. In summary, the available evidence is currently insufficient to determine the role of this variant in disease. Therefore, it has been classified as a Variant of Uncertain Significance.

NM_000751.3(CHRND):c.1219C>T (p.Arg407Trp)

Gene: CHRND (cholinergic receptor nicotinic delta subunit; plus strand). Cytogenetic location: 2q37.1.
Variant type: single nucleotide variant.
Coding change: c.1219C>T on transcript NM_000751.3 (MANE Select); coding-DNA position 1219, C replaced by T.
Protein change: p.Arg407Trp; replaces arginine 407 with tryptophan.
Molecular consequence: missense variant.
Genome position (GRCh38, 1-based): chr2:232,534,102, C>T. VCF-style: chr2-232534102-C-T. GRCh37 (hg19) VCF-style: chr2-233398812-C-T.
Other names: c.1174C>T, p.Arg392Trp (NM_001256657.2); c.637C>T, p.Arg213Trp (NM_001311195.2); c.916C>T, p.Arg306Trp (NM_001311196.2); short protein forms R213W, R306W, R392W, R407W.
Identifiers: ClinVar variation 1008543 (VCV001008543.8), dbSNP rs766721840, ClinGen allele CA2168291.